The following is an entry in ClinVar:

NM_000481.4(AMT):c.1199A>C (p.Tyr400Ser)

Gene: AMT (aminomethyltransferase; minus strand). Cytogenetic location: 3p21.31.
Variant type: single nucleotide variant.
Coding change: c.1199A>C on transcript NM_000481.4 (MANE Select); coding-DNA position 1199, A replaced by C.
Protein change: p.Tyr400Ser; replaces tyrosine 400 with serine.
Molecular consequence: missense variant. On other transcripts: non-coding transcript variant (1), intron variant (1).
Genome position (GRCh38, 1-based): chr3:49,417,553, T>G on the plus strand (A>C on the coding strand, the complement: AMT is on the minus strand). VCF-style: chr3-49417553-T-G. GRCh37 (hg19) VCF-style: chr3-49454986-T-G.
Other names: c.1067A>C, p.Tyr356Ser (NM_001164710.2); c.1031A>C, p.Tyr344Ser (NM_001164711.2); c.1137+62A>C (NM_001164712.2); short protein forms Y400S, Y356S, Y344S.
Identifiers: ClinVar variation 1988801 (VCV001988801.1), dbSNP rs201548428, ClinGen allele CA352788428.
Genomic context (GRCh38, chr3:49,417,553, plus strand): 5'-TGTAGGGGCAAAACTCCTGGAAGGGACAGCCCCACCCTGAGCCAGCTTCACTTGAGGGTA[T>G]AGTAGTTTGTGGGCACAAAGGGCATCTTGCTGACTACAGCCATCTGCTGCTTCCGCCGCA-3'
Protein context (NP_000472.2, residues 390-403): SKMPFVPTNY[Tyr400Ser]TLK

ClinVar aggregate classification (germline): Uncertain significance. Review status: criteria provided, multiple submitters, no conflicts (2 of 4 stars). 2 submissions from 2 submitters: Uncertain significance (2). Last evaluated 2025-09-24.

Conditions:
Inborn genetic diseases. Identifiers: MedGen C0950123, MeSH D030342.
Glycine encephalopathy. Also called: Nonketotic hyperglycinemia; Non-ketotic hyperglycinemia. Identifiers: Orphanet 407, MedGen C0751748, MONDO:0011612, HP:0008288.

gnomAD v4.1: 4 of 1,614,040 alleles (0.00025%); highest among the groups gnomAD compares: African/African-American, 0.0027%; no homozygotes.

Submissions (2):

Ambry Genetics
Classification: Uncertain significance for Inborn genetic diseases. Last evaluated: 2025-09-24. Review status: criteria provided, single submitter. Criteria: Ambry Variant Classification Scheme 2023. Collection method: clinical testing. Allele origin: germline.

Labcorp Genetics (formerly Invitae), Labcorp
Classification: Uncertain significance for Glycine encephalopathy. Last evaluated: 2022-08-22. Review status: criteria provided, single submitter. Criteria: Invitae Variant Classification Sherloc (09022015). Collection method: clinical testing. Allele origin: germline.
Comment: This sequence change replaces tyrosine, which is neutral and polar, with serine, which is neutral and polar, at codon 400 of the AMT protein (p.Tyr400Ser). This variant is not present in population databases (gnomAD no frequency). This variant has not been reported in the literature in individuals affected with AMT-related conditions. Advanced modeling of protein sequence and biophysical properties (such as structural, functional, and spatial information, amino acid conservation, physicochemical variation, residue mobility, and thermodynamic stability) performed at Invitae indicates that this missense variant is not expected to disrupt AMT protein function. In summary, the available evidence is currently insufficient to determine the role of this variant in disease. Therefore, it has been classified as a Variant of Uncertain Significance.